The following is an entry in ClinVar:

ClinVar aggregate classification (germline): Benign/Likely benign. Review status: criteria provided, multiple submitters, no conflicts (2 of 4 stars). 2 submissions from 2 submitters: Benign (1); Likely benign (1). Last evaluated 2025-01-13.

Conditions:
Familial cancer of breast. Also called: BREAST CANCER, FAMILIAL; Hereditary breast cancer; hereditary breast carcinoma. Identifiers: Orphanet 227535, MedGen C0346153, MONDO:0016419, OMIM 114480. Disease mechanism: loss of function.

gnomAD v4.1: 1 of 1,614,116 alleles (0.000062%); highest among the groups gnomAD compares: Non-Finnish European, 0.000085%; no homozygotes.

Submissions (2):

Myriad Genetics, Inc.
Classification: Benign for Familial cancer of breast. Last evaluated: 2025-01-13. Review status: criteria provided, single submitter. Criteria: Myriad Autosomal Dominant, Autosomal Recessive and X-Linked Classification Criteria (2023). Collection method: clinical testing. Allele origin: unknown.
Comment: This variant is considered benign. This variant is a silent/synonymous amino acid change and it is not expected to impact splicing.

Labcorp Genetics (formerly Invitae), Labcorp
Classification: Likely benign for Familial cancer of breast. Last evaluated: 2024-11-24. Review status: criteria provided, single submitter. Criteria: Invitae Variant Classification Sherloc (09022015). Collection method: clinical testing. Allele origin: germline.

NM_024675.4(PALB2):c.1491T>C (p.Asn497=)

Gene: PALB2 (partner and localizer of BRCA2; minus strand). Cytogenetic location: 16p12.2.
Variant type: single nucleotide variant.
Coding change: c.1491T>C on transcript NM_024675.4 (MANE Select); coding-DNA position 1491, T replaced by C.
Protein change: p.Asn497=; no amino-acid change (asparagine 497 retained).
Molecular consequence: synonymous variant.
Genome position (GRCh38, 1-based): chr16:23,635,055, A>G on the plus strand (T>C on the coding strand, the complement: PALB2 is on the minus strand). VCF-style: chr16-23635055-A-G. GRCh37 (hg19) VCF-style: chr16-23646376-A-G.
Identifiers: ClinVar variation 1107356 (VCV001107356.11), dbSNP rs374707677, ClinGen allele CA494461353.